The following is an entry in ClinVar:

NM_170606.3(KMT2C):c.9937C>T (p.His3313Tyr)

Gene: KMT2C (lysine methyltransferase 2C; minus strand). Cytogenetic location: 7q36.1.
Variant type: single nucleotide variant.
Coding change: c.9937C>T on transcript NM_170606.3 (MANE Select); coding-DNA position 9937, C replaced by T.
Protein change: p.His3313Tyr; replaces histidine 3313 with tyrosine.
Molecular consequence: missense variant.
Genome position (GRCh38, 1-based): chr7:152,163,640, G>A on the plus strand (C>T on the coding strand, the complement: KMT2C is on the minus strand). VCF-style: chr7-152163640-G-A. GRCh37 (hg19) VCF-style: chr7-151860725-G-A.
Other names: short protein forms H3313Y.
Identifiers: ClinVar variation 1311955 (VCV001311955.2), dbSNP rs2129104623, ClinGen allele CA370105436.
Genomic context (GRCh38, chr7:152,163,640, plus strand): 5'-GTAAACTGGGCATTCTAACAGGGCTAGTATGGCCAGAAATAACTGTTGTGTGCTGCTGGT[G>A]CTGAAGCTGCTGTGGCACCATGGGAAAGGTGGGTTGGCTCATGGTGGGTGGAGTGGCACC-3'
Protein context (NP_733751.2, residues 3303-3323): TFPMVPQQLQ[His3313Tyr]QQHTTVISGH

ClinVar aggregate classification (germline): Uncertain significance (1 of 4 stars; one submission).

Submission:

GeneDx
Classification: Uncertain significance. Last evaluated: 2020-02-07. Review status: criteria provided, single submitter. Criteria: GeneDx Variant Classification Process June 2021. Collection method: clinical testing. Allele origin: germline. Affected: yes.
Comment: Not observed in large population cohorts (Lek et al., 2016); In silico analysis supports that this missense variant has a deleterious effect on protein structure/function; Has not been previously published as pathogenic or benign to our knowledge